The following is an entry in ClinVar:

ClinVar aggregate classification (germline): Uncertain significance (1 of 4 stars; one submission).

Conditions:
Zellweger spectrum disorders (ZS). Also called: Zellweger Spectrum Disorder (ZSD); Zellweger syndrome; Zellweger Spectrum Disorder; Zellweger Spectrum. Identifiers: Orphanet 912, MedGen C0043459, MONDO:0019609.

Submission:

Labcorp Genetics (formerly Invitae), Labcorp
Classification: Uncertain significance for Zellweger spectrum disorders. Last evaluated: 2022-05-31. Review status: criteria provided, single submitter. Criteria: Invitae Variant Classification Sherloc (09022015). Collection method: clinical testing. Allele origin: germline.
Comment: This sequence change replaces proline, which is neutral and non-polar, with arginine, which is basic and polar, at codon 671 of the PEX1 protein (p.Pro671Arg). This variant is not present in population databases (gnomAD no frequency). This variant has not been reported in the literature in individuals affected with PEX1-related conditions. Algorithms developed to predict the effect of missense changes on protein structure and function are either unavailable or do not agree on the potential impact of this missense change (SIFT: "Deleterious"; PolyPhen-2: "Possibly Damaging"; Align-GVGD: "Class C0"). In summary, the available evidence is currently insufficient to determine the role of this variant in disease. Therefore, it has been classified as a Variant of Uncertain Significance.

NM_000466.3(PEX1):c.2012C>G (p.Pro671Arg)

Gene: PEX1 (peroxisomal biogenesis factor 1; minus strand). Cytogenetic location: 7q21.2.
Variant type: single nucleotide variant.
Coding change: c.2012C>G on transcript NM_000466.3 (MANE Select); coding-DNA position 2012, C replaced by G.
Protein change: p.Pro671Arg; replaces proline 671 with arginine.
Molecular consequence: missense variant. On other transcripts: intron variant (1).
Genome position (GRCh38, 1-based): chr7:92,504,791, G>C on the plus strand (C>G on the coding strand, the complement: PEX1 is on the minus strand). VCF-style: chr7-92504791-G-C. GRCh37 (hg19) VCF-style: chr7-92134105-G-C.
Other names: c.1388C>G, p.Pro463Arg (NM_001282678.2); c.1900+1457C>G (NM_001282677.2); short protein forms P463R, P671R.
Identifiers: ClinVar variation 2001516 (VCV002001516.1), dbSNP rs2484668447, ClinGen allele CA368183348.